The following is an entry in ClinVar:

NM_000283.4(PDE6B):c.2370C>G (p.His790Gln)

Gene: PDE6B (phosphodiesterase 6B; plus strand). Cytogenetic location: 4p16.3.
Variant type: single nucleotide variant.
Coding change: c.2370C>G on transcript NM_000283.4 (MANE Select); coding-DNA position 2370, C replaced by G.
Protein change: p.His790Gln; replaces histidine 790 with glutamine.
Molecular consequence: missense variant.
Genome position (GRCh38, 1-based): chr4:667,873, C>G. VCF-style: chr4-667873-C-G. GRCh37 (hg19) VCF-style: chr4-661662-C-G.
Other names: c.2370C>G, p.His790Gln (NM_001145291.2); c.1533C>G, p.His511Gln (NM_001145292.2, NM_001350154.3, NM_001379246.1 and 1 more transcripts); c.1215C>G, p.His405Gln (NM_001350155.3); short protein forms H405Q, H511Q, H790Q.
Identifiers: ClinVar variation 2818059 (VCV002818059.3), dbSNP rs753602004, ClinGen allele CA355920420.
Genomic context (GRCh38, chr4:667,873, plus strand): 5'-GCAGGCAGGACAGGACTGGTGGTGACTTCTCGACTCCCCTCAGGAGTTCTCTCGTTTCCA[C>G]GAAGAGATCCTGCCCATGTTCGACCGACTGCAGAACAATAGGAAAGAGTGGAAGGCGCTG-3'
Protein context (NP_000274.3, residues 780-800): TFVYKEFSRF[His790Gln]EEILPMFDRL

ClinVar aggregate classification (germline): Uncertain significance (1 of 4 stars; one submission).

gnomAD v4.1: 3 of 1,613,254 alleles (0.00019%); highest among the groups gnomAD compares: African/African-American, 0.0013%; no homozygotes.

Submission:

Labcorp Genetics (formerly Invitae), Labcorp
Classification: Uncertain significance. Last evaluated: 2023-05-19. Review status: criteria provided, single submitter. Criteria: Invitae Variant Classification Sherloc (09022015). Collection method: clinical testing. Allele origin: germline.
Comment: In summary, the available evidence is currently insufficient to determine the role of this variant in disease. Therefore, it has been classified as a Variant of Uncertain Significance. Algorithms developed to predict the effect of sequence changes on RNA splicing suggest that this variant may create or strengthen a splice site. Advanced modeling of protein sequence and biophysical properties (such as structural, functional, and spatial information, amino acid conservation, physicochemical variation, residue mobility, and thermodynamic stability) has been performed at Invitae for this missense variant, however the output from this modeling did not meet the statistical confidence thresholds required to predict the impact of this variant on PDE6B protein function. This variant has not been reported in the literature in individuals affected with PDE6B-related conditions. This variant is not present in population databases (gnomAD no frequency). This sequence change replaces histidine, which is basic and polar, with glutamine, which is neutral and polar, at codon 790 of the PDE6B protein (p.His790Gln).